The following is an entry in ClinVar:

NM_001190274.2(FBXO11):c.62A>C (p.Gln21Pro)

Genes: FBXO11 (F-box protein 11; minus strand), LOC100506235 (uncharacterized LOC100506235; plus strand). Cytogenetic location: 2p16.3.
Variant type: single nucleotide variant.
Coding change: c.62A>C on transcript NM_001190274.2 (MANE Select); coding-DNA position 62, A replaced by C.
Protein change: p.Gln21Pro; replaces glutamine 21 with proline.
Molecular consequence: missense variant. On other transcripts: non-coding transcript variant (1).
Genome position (GRCh38, 1-based): chr2:47,905,659, T>G on the plus strand (A>C on the coding strand, the complement: FBXO11 is on the minus strand). VCF-style: chr2-47905659-T-G. GRCh37 (hg19) VCF-style: chr2-48132798-T-G.
Other names: short protein forms Q21P.
Identifiers: ClinVar variation 3600578 (VCV003600578.1).

ClinVar aggregate classification (germline): Uncertain significance (1 of 4 stars; one submission).

gnomAD v4.1: 1 of 1,490,264 alleles (0.000067%); highest among the groups gnomAD compares: Non-Finnish European, 0.000089%; no homozygotes.

Submission:

GeneDx
Classification: Uncertain significance. Last evaluated: 2024-07-25. Review status: criteria provided, single submitter. Criteria: GeneDx Variant Classification Process June 2021. Collection method: clinical testing. Allele origin: germline. Affected: yes.
Comment: Not observed at significant frequency in large population cohorts (gnomAD); In silico analysis indicates that this missense variant does not alter protein structure/function; Has not been previously published as pathogenic or benign to our knowledge